The following is an entry in ClinVar:

ClinVar aggregate classification (germline): Benign (1 of 4 stars; one submission).

Conditions:
Hereditary angioedema type 1 (HAE1). Identifiers: Orphanet 100050, Orphanet 100051, Orphanet 91378, MedGen C2717906, MONDO:0015053, OMIM 106100.

Allele frequency attached by ClinVar (database versions not stated): gnomAD 0.39698 and 0.40184; TOPMed 0.41990; 1000 Genomes Project 30x 0.51046; 1000 Genomes Project 0.51817.
gnomAD v4.1: 61,147 of 151,878 alleles (40%); highest among the groups gnomAD compares: East Asian, 75%; 13,101 homozygotes.

Submission:

CeMIA
Classification: Benign for Hereditary angioedema type 1. Review status: criteria provided, single submitter. Criteria: ACMG Guidelines, 2015. Collection method: clinical testing. Allele origin: germline. Affected: yes.
Comment: This variant is considered likely benign or benign based on one or more of the following criteria: allele frequency is >5% in Exome Sequencing Project, 1000 Genomes Project, or Exome Aggregation Consortium (BA1), allele frequency is greater than expected for disorder (BS1), it is observed in a healthy adult individual (BS2), it is predicted to be benign by multiple in silico algorithms (BP4), it is found in a case with an alternate molecular basis for the disease (BP5) and/or reputable source recently reports variant as benign (BP6).

Literature cited by the submitters: PubMed 31959500.

NM_000062.3(SERPING1):c.52-696C>T

Gene: SERPING1 (serpin family G member 1; plus strand). Cytogenetic location: 11q12.1.
Variant type: single nucleotide variant.
Coding change: c.52-696C>T on transcript NM_000062.3 (MANE Select); 696 bases into the intron before coding-DNA position 52, C replaced by T.
Molecular consequence: intron variant.
Genome position (GRCh38, 1-based): chr11:57,599,183, C>T. VCF-style: chr11-57599183-C-T. GRCh37 (hg19) VCF-style: chr11-57366656-C-T.
Other names: c.52-696C>T (NM_001032295.2).
Identifiers: ClinVar variation 983238 (VCV000983238.2), dbSNP rs1005511, ClinGen allele CA13383175.